The following is an entry in ClinVar:

ClinVar aggregate classification (germline): Uncertain significance. Review status: criteria provided, multiple submitters, no conflicts (2 of 4 stars). 4 submissions from 4 submitters: Uncertain significance (4). Last evaluated 2025-04-13.

Conditions:
X-linked Alport syndrome (ATS1). Also called: NEPHROPATHY AND DEAFNESS, X-LINKED; COL4A5-Related Nephropathy. Identifiers: Orphanet 63, Orphanet 88917, MedGen C4746986, MONDO:0010520, OMIM 301050.
COL4A5-related disorder. Also called: COL4A5-related condition.

Allele frequency attached by ClinVar (database versions not stated): ExAC 0.00001; gnomAD exomes 0.00001; TOPMed 0.00001.
gnomAD v4.1: 11 of 1,212,089 alleles (0.00091%); highest among the groups gnomAD compares: East Asian, 0.003%; no homozygotes.

Submissions (5):

PreventionGenetics, part of Exact Sciences
Classification: Uncertain significance for COL4A5-related condition. Last evaluated: 2025-04-13. Review status: criteria provided, single submitter. Criteria: ACMG Guidelines, 2015. Collection method: clinical testing. Allele origin: germline.
Comment: The COL4A5 c.1483C>A variant is predicted to result in the amino acid substitution p.Gln495Lys. To our knowledge, this variant has not been reported in the literature. This variant is reported in 0.0012% of alleles in individuals of European (Non-Finnish) descent in gnomAD. At this time, the clinical significance of this variant is uncertain due to the absence of conclusive functional and genetic evidence.

Labcorp Genetics (formerly Invitae), Labcorp
Classification: Uncertain significance. Last evaluated: 2024-12-03. Review status: criteria provided, single submitter. Criteria: Invitae Variant Classification Sherloc (09022015). Collection method: clinical testing. Allele origin: germline.
Comment: This sequence change replaces glutamine, which is neutral and polar, with lysine, which is basic and polar, at codon 495 of the COL4A5 protein (p.Gln495Lys). This variant is present in population databases (rs757877136, gnomAD 0.001%). This variant has not been reported in the literature in individuals affected with COL4A5-related conditions. ClinVar contains an entry for this variant (Variation ID: 931024). Invitae Evidence Modeling of protein sequence and biophysical properties (such as structural, functional, and spatial information, amino acid conservation, physicochemical variation, residue mobility, and thermodynamic stability) indicates that this missense variant is not expected to disrupt COL4A5 protein function with a negative predictive value of 95%. In summary, the available evidence is currently insufficient to determine the role of this variant in disease. Therefore, it has been classified as a Variant of Uncertain Significance.

Fulgent Genetics
Classification: Uncertain significance for X-linked Alport syndrome. Last evaluated: 2022-02-02. Review status: criteria provided, single submitter. Criteria: ACMG Guidelines, 2015. Collection method: clinical testing. Allele origin: unknown.

Centre for Mendelian Genomics, University Medical Centre Ljubljana
Classification: Uncertain significance for X-linked Alport syndrome. Last evaluated: 2019-01-30. Review status: criteria provided, single submitter. Criteria: ACMG Guidelines, 2015. Collection method: clinical testing. Allele origin: unknown. Affected: yes.
Comment: This variant was classified as: Uncertain significance. The available evidence on this variant's pathogenicity is insufficient or conflicting. The following ACMG criteria were applied in classifying this variant: PM2,PP2,BP4.

Dr. Peter K. Rogan Lab, Western University
No classification provided (evidence only). Condition: Thyroid cancer, nonmedullary, 1. Review status: no classification provided. Collection method: in vitro. Allele origin: not applicable. Functional consequence: retained intron. Not counted in ClinVar's aggregate classification.

NM_033380.3(COL4A5):c.1483C>A (p.Gln495Lys)

Gene: COL4A5 (collagen type IV alpha 5 chain; plus strand). Cytogenetic location: Xq22.3.
Variant type: single nucleotide variant.
Coding change: c.1483C>A on transcript NM_033380.3 (MANE Select); coding-DNA position 1483, C replaced by A.
Protein change: p.Gln495Lys; replaces glutamine 495 with lysine.
Molecular consequence: missense variant.
Genome position (GRCh38, 1-based): chrX:108,595,568, C>A. VCF-style: chrX-108595568-C-A. GRCh37 (hg19) VCF-style: chrX-107838798-C-A.
Other names: c.1483C>A, p.Gln495Lys (NM_000495.5); c.1483C>A (NM_000495.4); short protein forms Q495K.
Identifiers: ClinVar variation 931024 (VCV000931024.8), dbSNP rs757877136, ClinGen allele CA10488747.